The following is an entry in ClinVar:

NM_001369.3(DNAH5):c.553G>A (p.Glu185Lys)

Gene: DNAH5 (dynein axonemal heavy chain 5; minus strand). Cytogenetic location: 5p15.2.
Variant type: single nucleotide variant.
Coding change: c.553G>A on transcript NM_001369.3 (MANE Select); coding-DNA position 553, G replaced by A.
Protein change: p.Glu185Lys; replaces glutamic acid 185 with lysine.
Molecular consequence: missense variant.
Genome position (GRCh38, 1-based): chr5:13,922,214, C>T on the plus strand (G>A on the coding strand, the complement: DNAH5 is on the minus strand). VCF-style: chr5-13922214-C-T. GRCh37 (hg19) VCF-style: chr5-13922323-C-T.
Other names: short protein forms E185K.
Identifiers: ClinVar variation 663936 (VCV000663936.8), dbSNP rs752339132, ClinGen allele CA3205151.

ClinVar aggregate classification (germline): Conflicting classifications of pathogenicity. Review status: criteria provided, conflicting classifications (1 of 4 stars). 4 submissions from 4 submitters: Uncertain significance (2); Likely benign (1). 1 of the submissions does not count toward it. Last evaluated 2025-10-29.

Conditions:
Primary ciliary dyskinesia. Also called: Ciliary dyskinesia. Identifiers: Orphanet 244, MedGen C0008780, MONDO:0016575, HP:0012265.
Primary ciliary dyskinesia 3. Identifiers: Orphanet 244, MedGen C1837618, MONDO:0012085, OMIM 608644.

Allele frequency attached by ClinVar (database versions not stated): gnomAD 0.00003 and 0.00001; gnomAD exomes 0.00003; ExAC 0.00007; TOPMed 0.00002.
gnomAD v4.1: 53 of 1,614,004 alleles (0.0033%); highest among the groups gnomAD compares: South Asian, 0.03%; 1 homozygote.

Submissions (4):

Ambry Genetics
Classification: Uncertain significance for Primary ciliary dyskinesia. Last evaluated: 2025-10-29. Review status: criteria provided, single submitter. Criteria: Ambry Variant Classification Scheme 2023. Collection method: clinical testing. Allele origin: germline.
Comment: The p.E185K variant (also known as c.553G>A), located in coding exon 5 of the DNAH5 gene, results from a G to A substitution at nucleotide position 553. The glutamic acid at codon 185 is replaced by lysine, an amino acid with similar properties. This amino acid position is conserved. In addition, this alteration is predicted to be tolerated by in silico analysis. Based on the available evidence, the clinical significance of this variant remains unclear.

Labcorp Genetics (formerly Invitae), Labcorp
Classification: Likely benign for Primary ciliary dyskinesia. Last evaluated: 2024-10-30. Review status: criteria provided, single submitter. Criteria: Invitae Variant Classification Sherloc (09022015). Collection method: clinical testing. Allele origin: germline.

Fulgent Genetics
Classification: Uncertain significance for Primary ciliary dyskinesia 3. Last evaluated: 2022-02-16. Review status: criteria provided, single submitter. Criteria: ACMG Guidelines, 2015. Collection method: clinical testing. Allele origin: unknown.

Natera, Inc.
Classification: Uncertain significance for Primary ciliary dyskinesia. Last evaluated: 2020-09-16. Review status: no assertion criteria provided. Collection method: clinical testing. Allele origin: germline. Not counted in ClinVar's aggregate classification.